The following is an entry in ClinVar:

ClinVar aggregate classification (germline): Uncertain significance. Review status: criteria provided, multiple submitters, no conflicts (2 of 4 stars). 3 submissions from 3 submitters: Uncertain significance (3). Last evaluated 2025-08-18.

Conditions:
Hereditary cancer-predisposing syndrome. Also called: Neoplastic Syndromes, Hereditary; Tumor predisposition; Hereditary Cancer Syndrome; Hereditary neoplastic syndrome. Identifiers: Orphanet 140162, MedGen C0027672, MeSH D009386, MONDO:0015356.
Nijmegen breakage syndrome-like disorder (NBSLD). Also called: MICROCEPHALY AND SPONTANEOUS CHROMOSOME INSTABILITY WITHOUT IMMUNODEFICIENCY; NBS-LIKE DISORDER; RAD50 DEFICIENCY. Identifiers: Orphanet 240760, MedGen C2751318, MONDO:0013118, OMIM 613078.

Allele frequency attached by ClinVar (database versions not stated): ExAC 0.00001; TOPMed 0.00002; gnomAD 0.00003.
gnomAD v4.1: 7 of 1,613,958 alleles (0.00043%); highest among the groups gnomAD compares: African/African-American, 0.0053%; no homozygotes.

Submissions (3):

Labcorp Genetics (formerly Invitae), Labcorp
Classification: Uncertain significance for Hereditary cancer-predisposing syndrome. Last evaluated: 2025-08-18. Review status: criteria provided, single submitter. Criteria: Invitae Variant Classification Sherloc (09022015). Collection method: clinical testing. Allele origin: germline.
Comment: This sequence change replaces asparagine, which is neutral and polar, with tyrosine, which is neutral and polar, at codon 1172 of the RAD50 protein (p.Asn1172Tyr). This variant is present in population databases (rs757481515, gnomAD 0.01%). This variant has not been reported in the literature in individuals affected with RAD50-related conditions. ClinVar contains an entry for this variant (Variation ID: 230332). An algorithm developed to predict the effect of missense changes on protein structure and function (PolyPhen-2) suggests that this variant is likely to be disruptive. In summary, the available evidence is currently insufficient to determine the role of this variant in disease. Therefore, it has been classified as a Variant of Uncertain Significance.

Ambry Genetics
Classification: Uncertain significance for Hereditary cancer-predisposing syndrome. Last evaluated: 2025-03-12. Review status: criteria provided, single submitter. Criteria: Ambry Variant Classification Scheme 2023. Collection method: clinical testing. Allele origin: germline.
Comment: The p.N1172Y variant (also known as c.3514A>T), located in coding exon 23 of the RAD50 gene, results from an A to T substitution at nucleotide position 3514. The asparagine at codon 1172 is replaced by tyrosine, an amino acid with dissimilar properties. This amino acid position is well conserved in available vertebrate species. In addition, the in silico prediction for this alteration is inconclusive. Since supporting evidence is limited at this time, the clinical significance of this alteration remains unclear.

Baylor Genetics
Classification: Uncertain significance for Nijmegen breakage syndrome-like disorder. Last evaluated: 2023-10-22. Review status: criteria provided, single submitter. Criteria: ACMG Guidelines, 2015. Collection method: clinical testing. Allele origin: unknown.

NM_005732.4(RAD50):c.3514A>T (p.Asn1172Tyr)

Genes: TH2-LCR (Th2 cytokine locus control region; plus strand), TH2LCRR (T helper type 2 locus control region associated RNA; minus strand), RAD50 (RAD50 double strand break repair protein; plus strand). Cytogenetic location: 5q31.1.
Variant type: single nucleotide variant.
Coding change: c.3514A>T on transcript NM_005732.4 (MANE Select); coding-DNA position 3514, A replaced by T.
Protein change: p.Asn1172Tyr; replaces asparagine 1172 with tyrosine.
Molecular consequence: missense variant. On other transcripts: non-coding transcript variant (2).
Genome position (GRCh38, 1-based): chr5:132,638,119, A>T. VCF-style: chr5-132638119-A-T. GRCh37 (hg19) VCF-style: chr5-131973811-A-T.
Other names: short protein forms N1172Y.
Identifiers: ClinVar variation 230332 (VCV000230332.16), dbSNP rs757481515, ClinGen allele CA3405604.